The following is an entry in ClinVar:

NM_058216.3(RAD51C):c.8G>T (p.Gly3Val)

Gene: RAD51C (RAD51 paralog C; plus strand). Cytogenetic location: 17q22.
Variant type: single nucleotide variant.
Coding change: c.8G>T on transcript NM_058216.3 (MANE Select); coding-DNA position 8, G replaced by T.
Protein change: p.Gly3Val; replaces glycine 3 with valine.
Molecular consequence: missense variant. On other transcripts: non-coding transcript variant (2).
Genome position (GRCh38, 1-based): chr17:58,692,651, G>T. VCF-style: chr17-58692651-G-T. GRCh37 (hg19) VCF-style: chr17-56770012-G-T.
Other names: c.8G>T, p.Gly3Val (NM_002876.4); short protein forms G3V.
Identifiers: ClinVar variation 3650717 (VCV003650717.2).

ClinVar aggregate classification (germline): Uncertain significance (1 of 4 stars; one submission).

Conditions:
Fanconi anemia complementation group O. Also called: RAD51C-Related Fanconi Anemia. Identifiers: Orphanet 84, MedGen C3150653, MONDO:0013248, OMIM 613390.

Submission:

Labcorp Genetics (formerly Invitae), Labcorp
Classification: Uncertain significance for Fanconi anemia complementation group O. Last evaluated: 2024-04-24. Review status: criteria provided, single submitter. Criteria: Invitae Variant Classification Sherloc (09022015). Collection method: clinical testing. Allele origin: germline.
Comment: This sequence change replaces glycine, which is neutral and non-polar, with valine, which is neutral and non-polar, at codon 3 of the RAD51C protein (p.Gly3Val). This variant is not present in population databases (gnomAD no frequency). This variant has not been reported in the literature in individuals affected with RAD51C-related conditions. Algorithms developed to predict the effect of missense changes on protein structure and function output the following: SIFT: "Not Available"; PolyPhen-2: "Benign"; Align-GVGD: "Not Available". The valine amino acid residue is found in multiple mammalian species, which suggests that this missense change does not adversely affect protein function. In summary, the available evidence is currently insufficient to determine the role of this variant in disease. Therefore, it has been classified as a Variant of Uncertain Significance.